The following is an entry in ClinVar:

ClinVar aggregate classification (germline): Uncertain significance (1 of 4 stars; one submission).

Conditions:
Inborn genetic diseases. Identifiers: MedGen C0950123, MeSH D030342.

Submission:

Ambry Genetics
Classification: Uncertain significance for Inborn genetic diseases. Last evaluated: 2022-03-31. Review status: criteria provided, single submitter. Criteria: Ambry Variant Classification Scheme 2023. Collection method: clinical testing. Allele origin: germline.
Comment: The c.1648-3C>T intronic alteration consists of a C to T substitution 3 nucleotides before coding exon 12 in the NFIA gene. Based on insufficient or conflicting evidence, the clinical significance of this alteration remains unclear.

NM_001134673.4(NFIA):c.1513-3C>T

Gene: NFIA (nuclear factor I A; plus strand). Cytogenetic location: 1p31.3.
Variant type: single nucleotide variant.
Coding change: c.1513-3C>T on transcript NM_001134673.4 (MANE Select); 3 bases into the intron before coding-DNA position 1513, C replaced by T.
Molecular consequence: intron variant.
Genome position (GRCh38, 1-based): chr1:61,455,300, C>T. VCF-style: chr1-61455300-C-T. GRCh37 (hg19) VCF-style: chr1-61920972-C-T.
Other names: c.1489-3C>T (NM_001145511.2); c.1648-3C>T (NM_001145512.2); c.1421-3C>T (NM_005595.5).
Identifiers: ClinVar variation 2280514 (VCV002280514.2), dbSNP rs2525486989, ClinGen allele CA2580063087.